The following is an entry in ClinVar:

NM_000168.6(GLI3):c.1470G>C (p.Glu490Asp)

Gene: GLI3 (GLI family zinc finger 3; minus strand). Cytogenetic location: 7p14.1.
Variant type: single nucleotide variant.
Coding change: c.1470G>C on transcript NM_000168.6 (MANE Select); coding-DNA position 1470, G replaced by C.
Protein change: p.Glu490Asp; replaces glutamic acid 490 with aspartic acid.
Molecular consequence: missense variant.
Genome position (GRCh38, 1-based): chr7:42,023,495, C>G on the plus strand (G>C on the coding strand, the complement: GLI3 is on the minus strand). VCF-style: chr7-42023495-C-G. GRCh37 (hg19) VCF-style: chr7-42063094-C-G.
Other names: short protein forms E490D.
Identifiers: ClinVar variation 1720400 (VCV001720400.5), dbSNP rs2484638522, ClinGen allele CA367323810.
Genomic context (GRCh38, chr7:42,023,495, plus strand): 5'-GTAAAGCTCGGTTCCTGAATACCATCCACTTACGTGCACAAGCTGCTCTTGGGTGTCGAA[C>G]TCCCTCGCGCAGCCTTCCCAGTGGCAGTTTGTCTCATAGATGACTTCAGGCTCCTGTTTG-3'
Protein context (NP_000159.3, residues 480-500): TNCHWEGCAR[Glu490Asp]FDTQEQLVHH

ClinVar aggregate classification (germline): Uncertain significance (1 of 4 stars; one submission).

Conditions:
Greig cephalopolysyndactyly syndrome (GCPS). Also called: POLYSYNDACTYLY WITH PECULIAR SKULL SHAPE; Greig syndrome; GLI3-Related Greig Cephalopolysyndactyly Syndrome. Identifiers: Orphanet 380, MedGen C0265306, MONDO:0008287, OMIM 175700.
Pallister-Hall syndrome (PHS). Also called: HYPOTHALAMIC HAMARTOBLASTOMA, HYPOPITUITARISM, IMPERFORATE ANUS, AND POSTAXIAL POLYDACTYLY; GLI3-Related Pallister-Hall Syndrome. Identifiers: Orphanet 672, MedGen C0265220, MONDO:0007804, OMIM 146510.

gnomAD v4.1: 1 of 1,614,196 alleles (0.000062%); no homozygotes.

Submission:

Labcorp Genetics (formerly Invitae), Labcorp
Classification: Uncertain significance for Pallister-Hall syndrome; Greig cephalopolysyndactyly syndrome. Last evaluated: 2022-09-26. Review status: criteria provided, single submitter. Criteria: Invitae Variant Classification Sherloc (09022015). Collection method: clinical testing. Allele origin: germline.
Comment: This sequence change replaces glutamic acid, which is acidic and polar, with aspartic acid, which is acidic and polar, at codon 490 of the GLI3 protein (p.Glu490Asp). This variant is not present in population databases (gnomAD no frequency). This variant has not been reported in the literature in individuals affected with GLI3-related conditions. Advanced modeling of protein sequence and biophysical properties (such as structural, functional, and spatial information, amino acid conservation, physicochemical variation, residue mobility, and thermodynamic stability) performed at Invitae indicates that this missense variant is expected to disrupt GLI3 protein function. In summary, the available evidence is currently insufficient to determine the role of this variant in disease. Therefore, it has been classified as a Variant of Uncertain Significance.